The following is an entry in ClinVar:

NM_198576.4(AGRN):c.5112C>T (p.Tyr1704=)

Gene: AGRN (agrin; plus strand). Cytogenetic location: 1p36.33.
Variant type: single nucleotide variant.
Coding change: c.5112C>T on transcript NM_198576.4 (MANE Select); coding-DNA position 5112, C replaced by T.
Protein change: p.Tyr1704=; no amino-acid change (tyrosine 1704 retained).
Molecular consequence: synonymous variant.
Genome position (GRCh38, 1-based): chr1:1,050,562, C>T. VCF-style: chr1-1050562-C-T. GRCh37 (hg19) VCF-style: chr1-985942-C-T.
Other names: c.5112C>T, p.Tyr1704= (NM_001305275.2); c.4797C>T, p.Tyr1599= (NM_001364727.2); c.5112C>T (NM_198576.3).
Identifiers: ClinVar variation 2153192 (VCV002153192.6), dbSNP rs755888293, ClinGen allele CA509857.

ClinVar aggregate classification (germline): Likely benign. Review status: criteria provided, single submitter (1 of 4 stars). 2 submissions from 2 submitters: Likely benign (1). 1 of the submissions does not count toward it. Last evaluated 2022-05-29.

Conditions:
Congenital myasthenic syndrome 8. Also called: MYASTHENIC SYNDROME, CONGENITAL, DUE TO AGRIN DEFICIENCY; Myasthenic syndrome, congenital, 8, with pre- and postsynaptic defects. Identifiers: Orphanet 590, MedGen C3808739, MONDO:0014052, OMIM 615120.
AGRN-related disorder. Also called: AGRN-related condition.

Allele frequency attached by ClinVar (database versions not stated): TOPMed below 0.00001; ExAC 0.00001; gnomAD exomes 0.00001.
gnomAD v4.1: 8 of 1,612,206 alleles (0.0005%); highest among the groups gnomAD compares: South Asian, 0.0088%; no homozygotes.

Submissions (2):

Labcorp Genetics (formerly Invitae), Labcorp
Classification: Likely benign for Congenital myasthenic syndrome 8. Last evaluated: 2022-05-29. Review status: criteria provided, single submitter. Criteria: Invitae Variant Classification Sherloc (09022015). Collection method: clinical testing. Allele origin: germline.

PreventionGenetics, part of Exact Sciences
Classification: Likely benign for AGRN-related condition. Last evaluated: 2019-04-12. Review status: no assertion criteria provided. Collection method: clinical testing. Allele origin: germline. Not counted in ClinVar's aggregate classification.
Comment: This variant is classified as likely benign based on ACMG/AMP sequence variant interpretation guidelines (Richards et al. 2015 PMID: 25741868, with internal and published modifications).